The following is an entry in ClinVar:

ClinVar aggregate classification (germline): Uncertain significance (1 of 4 stars; one submission).

Conditions:
POLD1-related polyposis and colorectal cancer syndrome (CRCS10). Also called: COLORECTAL CANCER, SUSCEPTIBILITY TO, ON CHROMOSOME 19q; Colorectal cancer 10; Colorectal cancer, susceptibility to, 10. Identifiers: Orphanet 220460, MedGen C2675481, MONDO:0012953, OMIM 612591.

Submission:

Labcorp Genetics (formerly Invitae), Labcorp
Classification: Uncertain significance for POLD1-related polyposis and colorectal cancer syndrome. Last evaluated: 2021-08-12. Review status: criteria provided, single submitter. Criteria: Invitae Variant Classification Sherloc (09022015). Collection method: clinical testing. Allele origin: germline.
Comment: This variant is a gross deletion of the genomic region encompassing exon(s) 4-10 of the POLD1 gene. Missense variants that disrupt the 3'-5' exonuclease (proof-reading) activity of the POLD1 protein are associated with an increased risk for colonic adenomatous polyps and colon cancer (PMID: 23263490, 23447401). However, loss-of-function variants that result in an absent or severely disrupted POLD1 protein, and missense variants outside the exonuclease domain, are unlikely to be associated with polyposis or colon cancer. This variant has not been reported in the literature in individuals affected with POLD1-related conditions. In summary, the available evidence is currently insufficient to determine the role of this variant in disease. Therefore, it has been classified as a Variant of Uncertain Significance.

Literature cited by the submitters: PubMed 23263490; PubMed 23447401.

NC_000019.9:g.(?_50905025)_(50906864_?)del

Gene: POLD1 (DNA polymerase delta 1, catalytic subunit; plus strand). Cytogenetic location: 19q13.33.
Variant type: Deletion.
Identifiers: ClinVar variation 2424519 (VCV002424519.3).